The following is an entry in ClinVar:

NM_004360.5(CDH1):c.981T>G (p.Ser327Arg)

Gene: CDH1 (cadherin 1; plus strand). Cytogenetic location: 16q22.1.
Variant type: single nucleotide variant.
Coding change: c.981T>G on transcript NM_004360.5 (MANE Select); coding-DNA position 981, T replaced by G.
Protein change: p.Ser327Arg; replaces serine 327 with arginine.
Molecular consequence: missense variant. On other transcripts: 5 prime UTR variant (2).
Genome position (GRCh38, 1-based): chr16:68,811,832, T>G. VCF-style: chr16-68811832-T-G. GRCh37 (hg19) VCF-style: chr16-68845735-T-G.
Other names: c.981T>G (LRG_301t1); c.981T>G, p.Ser327Arg (NM_001317184.2); c.-635T>G (NM_001317185.2); c.-839T>G (NM_001317186.2); short protein forms S327R.
Identifiers: ClinVar variation 575814 (VCV000575814.16), dbSNP rs1567506772, ClinGen allele CA396459856.
Genomic context (GRCh38, chr16:68,811,832, plus strand): 5'-AGATCCTGAGCTCCCTGACAAAAATATGTTCACCATTAACAGGAACACAGGAGTCATCAG[T>G]GTGGTCACCACTGGGCTGGACCGAGAGGTCAGGGGTCAGGAGGATCCAGAGGGTGTGGAG-3'
Protein context (NP_004351.1, residues 317-337): FTINRNTGVI[Ser327Arg]VVTTGLDRES

ClinVar aggregate classification (germline): Uncertain significance. Review status: criteria provided, multiple submitters, no conflicts (2 of 4 stars). 4 submissions from 4 submitters: Uncertain significance (4). Last evaluated 2025-10-03.

Conditions:
Hereditary cancer-predisposing syndrome. Also called: Hereditary neoplastic syndrome; Tumor predisposition; Hereditary Cancer Syndrome; Neoplastic Syndromes, Hereditary. Identifiers: Orphanet 140162, MedGen C0027672, MeSH D009386, MONDO:0015356.
Hereditary diffuse gastric adenocarcinoma (HDGC). Also called: DIFFUSE GASTRIC AND LOBULAR BREAST CANCER SYNDROME. Identifiers: Orphanet 26106, MedGen C1708349, MONDO:0007648, OMIM 137215.
Familial cancer of breast. Also called: hereditary breast carcinoma; BREAST CANCER, FAMILIAL; Hereditary breast cancer. Identifiers: Orphanet 227535, MedGen C0346153, MONDO:0016419, OMIM 114480. Disease mechanism: loss of function.

Submissions (4):

Ambry Genetics
Classification: Uncertain significance for Hereditary cancer-predisposing syndrome. Last evaluated: 2025-10-03. Review status: criteria provided, single submitter. Criteria: Ambry Variant Classification Scheme 2023. Collection method: clinical testing. Allele origin: germline.
Comment: The p.S327R variant (also known as c.981T>G), located in coding exon 7 of the CDH1 gene, results from a T to G substitution at nucleotide position 981. The serine at codon 327 is replaced by arginine, an amino acid with dissimilar properties. This amino acid position is not well conserved in available vertebrate species. In addition, this alteration is predicted to be tolerated by in silico analysis. Since supporting evidence is limited at this time, the clinical significance of this alteration remains unclear.

Labcorp Genetics (formerly Invitae), Labcorp
Classification: Uncertain significance for Hereditary diffuse gastric adenocarcinoma. Last evaluated: 2025-07-31. Review status: criteria provided, single submitter. Criteria: Invitae Variant Classification Sherloc (09022015). Collection method: clinical testing. Allele origin: germline.
Comment: This sequence change replaces serine, which is neutral and polar, with arginine, which is basic and polar, at codon 327 of the CDH1 protein (p.Ser327Arg). This variant is not present in population databases (gnomAD no frequency). This variant has not been reported in the literature in individuals affected with CDH1-related conditions. ClinVar contains an entry for this variant (Variation ID: 575814). An algorithm developed to predict the effect of missense changes on protein structure and function (PolyPhen-2) suggests that this variant is likely to be disruptive. In summary, the available evidence is currently insufficient to determine the role of this variant in disease. Therefore, it has been classified as a Variant of Uncertain Significance.

Baylor Genetics
Classification: Uncertain significance for Familial cancer of breast. Last evaluated: 2024-02-13. Review status: criteria provided, single submitter. Criteria: ACMG Guidelines, 2015. Collection method: clinical testing. Allele origin: unknown.

Color Diagnostics, LLC DBA Color Health
Classification: Uncertain significance for Hereditary cancer-predisposing syndrome. Last evaluated: 2023-12-21. Review status: criteria provided, single submitter. Criteria: ACMG Guidelines, 2015. Collection method: clinical testing. Allele origin: germline.
Comment: This missense variant replaces serine with arginine at codon 327 of the CDH1 protein. To our knowledge, functional studies have not been reported for this variant. This variant has not been reported in individuals affected with CDH1-related disorders in the literature. This variant has not been identified in the general population by the Genome Aggregation Database (gnomAD). The available evidence is insufficient to determine the role of this variant in disease conclusively. Therefore, this variant is classified as a Variant of Uncertain Significance.